The following is an entry in ClinVar:

ClinVar aggregate classification (germline): Uncertain significance (1 of 4 stars; one submission).

Submission:

GeneDx
Classification: Uncertain significance. Last evaluated: 2024-07-09. Review status: criteria provided, single submitter. Criteria: GeneDx Variant Classification Process June 2021. Collection method: clinical testing. Allele origin: germline. Affected: yes.
Comment: Not observed at significant frequency in large population cohorts (gnomAD); In silico analysis indicates that this missense variant does not alter protein structure/function; Has not been previously published as pathogenic or benign to our knowledge

NM_001394998.1(TANC2):c.6149A>G (p.Gln2050Arg)

Gene: TANC2 (tetratricopeptide repeat, ankyrin repeat and coiled-coil containing 2; plus strand). Cytogenetic location: 17q23.3.
Variant type: single nucleotide variant.
Coding change: c.6149A>G on transcript NM_001394998.1 (MANE Select); coding-DNA position 6149, A replaced by G.
Protein change: p.Gln2050Arg; replaces glutamine 2050 with arginine.
Molecular consequence: missense variant.
Genome position (GRCh38, 1-based): chr17:63,421,879, A>G. VCF-style: chr17-63421879-A-G. GRCh37 (hg19) VCF-style: chr17-61499240-A-G.
Other names: c.5927A>G, p.Gln1976Arg (NM_001411076.1); c.5897A>G, p.Gln1966Arg (NM_025185.4); short protein forms Q1976R, Q1966R, Q2050R.
Identifiers: ClinVar variation 3572822 (VCV003572822.1).